The following is an entry in ClinVar:

ClinVar aggregate classification (germline): Uncertain significance. Review status: criteria provided, multiple submitters, no conflicts (2 of 4 stars). 13 submissions from 13 submitters: Uncertain significance (13). Last evaluated 2026-04-08.

Conditions:
PMS2-related disorder. Also called: PMS2-related condition.
Hereditary nonpolyposis colorectal neoplasms. Identifiers: MedGen C0009405, MeSH D003123.
Hereditary cancer-predisposing syndrome. Also called: Neoplastic Syndromes, Hereditary; Tumor predisposition; Hereditary neoplastic syndrome; Hereditary Cancer Syndrome. Identifiers: Orphanet 140162, MedGen C0027672, MeSH D009386, MONDO:0015356.
Breast and/or ovarian cancer. Identifiers: MedGen CN221562.
Lynch syndrome. Identifiers: Orphanet 144, MedGen C4552100, MONDO:0005835. Disease mechanism: loss of function.
Lynch syndrome 4 (LYNCH4). Also called: Colorectal cancer, hereditary nonpolyposis, type 4; Hereditary non-polyposis colorectal cancer, type 4. Identifiers: Orphanet 144, MedGen C1838333, MONDO:0013699, OMIM 614337. Disease mechanism: loss of function.

Allele frequency attached by ClinVar (database versions not stated): gnomAD exomes 0.00002 and 0.00004; gnomAD 0.00003; ExAC 0.00005; TOPMed 0.00006.
gnomAD v4.1: 39 of 1,612,470 alleles (0.0024%); highest among the groups gnomAD compares: Admixed American, 0.0033%; no homozygotes.

Submissions (13):

PreventionGenetics, part of Exact Sciences
Classification: Uncertain significance for PMS2-related condition. Last evaluated: 2026-04-08. Review status: criteria provided, single submitter. Criteria: ACMG Guidelines, 2015. Collection method: clinical testing. Allele origin: germline.
Comment: The PMS2 c.1954A>T variant is predicted to result in the amino acid substitution p.Ile652Phe. To our knowledge, this variant has not been reported in the literature. This variant is reported in 0.012% of alleles in individuals of Latino descent in gnomAD and is interpreted as uncertain in ClinVar (Variation ID: 187540). At this time, the clinical significance of this variant is uncertain due to the absence of conclusive functional and genetic evidence.

Labcorp Genetics (formerly Invitae), Labcorp
Classification: Uncertain significance for Hereditary nonpolyposis colorectal neoplasms. Last evaluated: 2026-02-03. Review status: criteria provided, single submitter. Criteria: Invitae Variant Classification Sherloc (09022015). Collection method: clinical testing. Allele origin: germline.
Comment: This sequence change replaces isoleucine, which is neutral and non-polar, with phenylalanine, which is neutral and non-polar, at codon 652 of the PMS2 protein (p.Ile652Phe). This variant is present in population databases (rs748927376, gnomAD 0.01%). This variant has not been reported in the literature in individuals affected with PMS2-related conditions. ClinVar contains an entry for this variant (Variation ID: 187540). Invitae Evidence Modeling incorporating data from in vitro experimental studies (internal data) indicates that this missense variant is not expected to disrupt PMS2 function with a negative predictive value of 95%. In summary, the available evidence is currently insufficient to determine the role of this variant in disease. Therefore, it has been classified as a Variant of Uncertain Significance.

Quest Diagnostics Nichols Institute San Juan Capistrano
Classification: Uncertain significance. Last evaluated: 2025-08-11. Review status: criteria provided, single submitter. Criteria: Quest Diagnostics criteria. Collection method: clinical testing. Allele origin: unknown.
Comment: The PMS2 c.1954A>T (p.Ile652Phe) variant has not been reported in individuals with PMS2-related conditions in the published literature. The frequency of this variant in the general population (Genome Aggregation Database) is uninformative in the assessment of its pathogenicity. Analysis of this variant using bioinformatics tools for the prediction of the effect of amino acid changes on protein structure and function yielded conflicting predictions that this variant is deleterious or benign. Based on the available information, we are unable to determine the clinical significance of this variant.

Helix
Classification: Uncertain significance for Lynch syndrome 4. Last evaluated: 2025-07-31. Review status: criteria provided, single submitter. Criteria: ACMG Guidelines, 2015. Collection method: clinical testing. Allele origin: germline. Inheritance: Autosomal dominant inheritance.
Comment: This variant (NM_000535.7:c.1954A>T p.Ile652Phe) results in the substitution of isoleucine with phenylalanine at codon 652 in the PMS2 protein. It is present in the gnomAD population database (v4.1) at the highest allele frequency in the Admixed American subpopulation among non-founder subpopulations (2/59838 alleles, 0.0033%). To our knowledge, this variant has not been reported in individuals with PMS2-related conditions. In silico prediction from the HCI Database of Prior Probabilities of Pathogenicity is indeterminate. This variant is present in ClinVar (Accession: VCV000187540.30). In conclusion, since the available evidence is limited, the clinical significance of this variant is unclear at this time. Therefore, it is classified as a Variant of Uncertain Significance.

GeneDx
Classification: Uncertain significance. Last evaluated: 2024-12-16. Review status: criteria provided, single submitter. Criteria: GeneDx Variant Classification Process June 2021. Collection method: clinical testing. Allele origin: germline. Affected: yes.
Comment: In silico analysis supports that this missense variant has a deleterious effect on protein structure/function; Has not been previously published as pathogenic or benign to our knowledge; This variant is associated with the following publications: (PMID: 17016615, 11292842)

Ambry Genetics
Classification: Uncertain significance for Hereditary cancer-predisposing syndrome. Last evaluated: 2024-08-02. Review status: criteria provided, single submitter. Criteria: Ambry Variant Classification Scheme 2023. Collection method: clinical testing. Allele origin: germline.
Comment: The p.I652F variant (also known as c.1954A>T), located in coding exon 11 of the PMS2 gene, results from an A to T substitution at nucleotide position 1954. The isoleucine at codon 652 is replaced by phenylalanine, an amino acid with highly similar properties. This amino acid position is highly conserved in available vertebrate species. In addition, the in silico prediction for this alteration is inconclusive. Based on the available evidence, the clinical significance of this variant remains unclear.

All of Us Research Program, National Institutes of Health
Classification: Uncertain significance for Lynch syndrome. Last evaluated: 2024-07-29. Review status: criteria provided, single submitter. Criteria: ACMG Guidelines, 2015. Collection method: clinical testing. Allele origin: germline. Inheritance: Autosomal dominant inheritance. Observed: 11 variant alleles, 11 heterozygotes.
Comment: This missense variant replaces isoleucine with phenylalanine at codon 652 of the PMS2 protein. Computational prediction suggests that this variant may not impact protein structure and function (internally defined REVEL score threshold <= 0.5, PMID: 27666373). To our knowledge, functional studies have not been reported for this variant. This variant has not been reported in individuals affected with PMS2-related disorders in the literature. This variant has been identified in 9/250552 chromosomes in the general population by the Genome Aggregation Database (gnomAD). The available evidence is insufficient to determine the role of this variant in disease conclusively. Therefore, this variant is classified as a Variant of Uncertain Significance.

This study involves interpretation of variants in research participants for the purpose of population health screening. Participant phenotype was not available at the time of variant classification. Additional details can be found in publication PMID: 35346344, PMCID: PMC8962531

Color Diagnostics, LLC DBA Color Health
Classification: Uncertain significance for Hereditary cancer-predisposing syndrome. Last evaluated: 2024-07-18. Review status: criteria provided, single submitter. Criteria: ACMG Guidelines, 2015. Collection method: clinical testing. Allele origin: germline.
Comment: This missense variant replaces isoleucine with phenylalanine at codon 652 of the PMS2 protein. Computational prediction suggests that this variant may not impact protein structure and function (internally defined REVEL score threshold <= 0.5, PMID: 27666373). To our knowledge, functional studies have not been reported for this variant. This variant has not been reported in individuals affected with PMS2-related disorders in the literature. This variant has been identified in 9/250552 chromosomes in the general population by the Genome Aggregation Database (gnomAD). The available evidence is insufficient to determine the role of this variant in disease conclusively. Therefore, this variant is classified as a Variant of Uncertain Significance.

Baylor Genetics
Classification: Uncertain significance for Lynch syndrome 4. Last evaluated: 2024-02-24. Review status: criteria provided, single submitter. Criteria: ACMG Guidelines, 2015. Collection method: clinical testing. Allele origin: unknown.

Blueprint Genetics
Classification: Uncertain significance. Last evaluated: 2022-07-27. Review status: criteria provided, single submitter. Criteria: ACMG Guidelines, 2015. Collection method: clinical testing. Allele origin: germline.

CHEO Genetics Diagnostic Laboratory, Children's Hospital of Eastern Ontario
Classification: Uncertain significance for Breast and/or ovarian cancer. Last evaluated: 2022-07-05. Review status: criteria provided, single submitter. Criteria: ACMG Guidelines, 2015. Collection method: clinical testing. Allele origin: germline.

Sema4
Classification: Uncertain significance for Hereditary cancer-predisposing syndrome. Last evaluated: 2022-02-19. Review status: criteria provided, single submitter. Criteria: Sema4 Curation Guidelines. Collection method: curation. Allele origin: germline.
Comment: The PMS2 c.1954A>T (p.I652F) variant has not been reported in the literature to our knowledge. This variant was observed in 4/34428 chromosomes in the Latino population according to the Genome Aggregation Database (PMID: 32461654). The variant has been reported in ClinVar (Variation ID: 187540). Functional studies have not been performed, and in silico predictions of the variant's effect on protein function are inconclusive. The evidence is insufficient to meet ACMG/AMP criteria for classifying the variant as benign or pathogenic. Thus, the clinical significance of this variant is currently uncertain.

Women's Health and Genetics/Laboratory Corporation of America, LabCorp
Classification: Uncertain significance. Last evaluated: 2019-06-14. Review status: criteria provided, single submitter. Criteria: LabCorp Variant Classification Summary - May 2015. Collection method: clinical testing. Allele origin: germline.
Comment: Variant summary: PMS2 c.1954A>T (p.Ile652Phe) results in a non-conservative amino acid change in the encoded protein sequence. Three of five in-silico tools predict a damaging effect of the variant on protein function. The variant allele was found at a frequency of 3.6e-05 in 250552 control chromosomes (gnomAD). The available data on variant occurrences in the general population are insufficient to allow any conclusion about variant significance. To our knowledge, no occurrence of c.1954A>T in individuals affected with Hereditary Non-Polyposis Colon Cancer and no experimental evidence demonstrating its impact on protein function have been reported. Five clinical diagnostic laboratories have submitted clinical-significance assessments for this variant to ClinVar after 2014 without evidence for independent evaluation. All laboratories classified the variant as uncertain significance. Based on the evidence outlined above, the variant was classified as uncertain significance.

NM_000535.7(PMS2):c.1954A>T (p.Ile652Phe)

Gene: PMS2 (PMS1 homolog 2, mismatch repair system component; minus strand). Cytogenetic location: 7p22.1.
Variant type: single nucleotide variant.
Coding change: c.1954A>T on transcript NM_000535.7 (MANE Select); coding-DNA position 1954, A replaced by T.
Protein change: p.Ile652Phe; replaces isoleucine 652 with phenylalanine.
Molecular consequence: missense variant. On other transcripts: non-coding transcript variant (1).
Genome position (GRCh38, 1-based): chr7:5,986,811, T>A on the plus strand (A>T on the coding strand, the complement: PMS2 is on the minus strand). VCF-style: chr7-5986811-T-A. GRCh37 (hg19) VCF-style: chr7-6026442-T-A.
Other names: c.1549A>T, p.Ile517Phe (NM_001322003.2, NM_001322004.2, NM_001322005.2 and 1 more transcripts); c.1798A>T, p.Ile600Phe (NM_001322006.2); c.1636A>T, p.Ile546Phe (NM_001322007.2, NM_001322008.2); c.1393A>T, p.Ile465Phe (NM_001322010.2); c.1021A>T, p.Ile341Phe (NM_001322011.2, NM_001322012.2); c.1381A>T, p.Ile461Phe (NM_001322013.2); c.1954A>T, p.Ile652Phe (NM_001322014.2); c.1645A>T, p.Ile549Phe (NM_001322015.2); short protein forms I652F, I461F, I341F, I465F, I517F, I546F, I600F, I549F.
Identifiers: ClinVar variation 187540 (VCV000187540.35), dbSNP rs748927376, ClinGen allele CA010544.